The following is an entry in ClinVar:

NM_000337.6(SGCD):c.3+11C>T

Gene: SGCD (sarcoglycan delta; plus strand). Cytogenetic location: 5q33.3.
Variant type: single nucleotide variant.
Coding change: c.3+11C>T on transcript NM_000337.6 (MANE Select); 11 bases into the intron after coding-DNA position 3, C replaced by T.
Molecular consequence: intron variant.
Genome position (GRCh38, 1-based): chr5:156,329,590, C>T. VCF-style: chr5-156329590-C-T. GRCh37 (hg19) VCF-style: chr5-155756600-C-T.
Other names: c.-1+2358C>T (NM_001128209.2); c.3+11C>T (NM_172244.3).
Identifiers: ClinVar variation 255869 (VCV000255869.12), dbSNP rs374790317, ClinGen allele CA3530434.
Genomic context (GRCh38, chr5:156,329,590, plus strand): 5'-GCAGAGACATTACTGCCGGGAGTGTTGAGTGAAGGGACCAGGTGGAGATGGTGAGTAATT[C>T]CCGGGAGCGAAGCTTGTTCAAGGCCCTGCTCATGGTCATTTTATTATTAACATAAACTTT-3'

ClinVar aggregate classification (germline): Benign/Likely benign. Review status: criteria provided, multiple submitters, no conflicts (2 of 4 stars). 7 submissions from 6 submitters: Benign (1); Likely benign (6). Last evaluated 2026-01-25.

Conditions:
Autosomal recessive limb-girdle muscular dystrophy type 2F (LGMDR6). Also called: MUSCULAR DYSTROPHY, LIMB-GIRDLE, AUTOSOMAL RECESSIVE 6; Muscular dystrophy limb-girdle with delta-sarcoglyan deficiency. Identifiers: Orphanet 219, MedGen C1832525, MONDO:0011028, OMIM 601287. Disease mechanism: Affects gamma-sarcoglycan and also disrupts the integrity of the entire sarcoglycan complex..
Dilated cardiomyopathy 1L (CMD1L). Identifiers: Orphanet 154, MedGen C1847667, MONDO:0011702, OMIM 606685.

Allele frequency attached by ClinVar (database versions not stated): ExAC 0.00007; gnomAD exomes 0.00008; gnomAD 0.00009 and 0.00010; TOPMed 0.00010; ESP Exome Variant Server 0.00025.
gnomAD v4.1: 213 of 1,612,108 alleles (0.013%); highest among the groups gnomAD compares: Middle Eastern, 0.033%; no homozygotes.

Submissions (7):

Labcorp Genetics (formerly Invitae), Labcorp
Classification: Benign for Autosomal recessive limb-girdle muscular dystrophy type 2F. Last evaluated: 2026-01-25. Review status: criteria provided, single submitter. Criteria: Invitae Variant Classification Sherloc (09022015). Collection method: clinical testing. Allele origin: germline.

Blueprint Genetics
Classification: Likely benign. Last evaluated: 2024-11-22. Review status: criteria provided, single submitter. Criteria: ACMG Guidelines, 2015. Collection method: clinical testing. Allele origin: germline.

Genome-Nilou Lab
Classification: Likely benign for Autosomal recessive limb-girdle muscular dystrophy type 2F. Last evaluated: 2023-02-08. Review status: criteria provided, single submitter. Criteria: ACMG Guidelines, 2015. Collection method: clinical testing. Allele origin: germline.

Genome-Nilou Lab
Classification: Likely benign for Dilated cardiomyopathy 1L. Last evaluated: 2023-02-08. Review status: criteria provided, single submitter. Criteria: ACMG Guidelines, 2015. Collection method: clinical testing. Allele origin: germline.

Fulgent Genetics
Classification: Likely benign for Autosomal recessive limb-girdle muscular dystrophy type 2F; Dilated cardiomyopathy 1L. Last evaluated: 2021-10-14. Review status: criteria provided, single submitter. Criteria: ACMG Guidelines, 2015. Collection method: clinical testing. Allele origin: unknown.

GeneDx
Classification: Likely benign. Last evaluated: 2017-10-31. Review status: criteria provided, single submitter. Criteria: GeneDx Variant Classification (06012015). Collection method: clinical testing. Allele origin: germline. Affected: yes.
Comment: This variant is considered likely benign or benign based on one or more of the following criteria: it is a conservative change, it occurs at a poorly conserved position in the protein, it is predicted to be benign by multiple in silico algorithms, and/or has population frequency not consistent with disease.

PreventionGenetics, part of Exact Sciences
Classification: Likely benign. Review status: criteria provided, single submitter. Criteria: ACMG Guidelines, 2015. Collection method: clinical testing. Allele origin: germline.